The following is an entry in ClinVar:

ClinVar aggregate classification (germline): Pathogenic/Likely pathogenic. Review status: criteria provided, multiple submitters, no conflicts (2 of 4 stars). 3 submissions from 3 submitters: Pathogenic (2); Likely pathogenic (1). Last evaluated 2023-03-16.

Conditions:
Cardiovascular phenotype. Identifiers: MedGen CN230736.
Cardiomyopathy (CMYO). Also called: Cardiomyopathies. Identifiers: Orphanet 167848, MedGen C0878544, MONDO:0004994, HP:0001638. Inheritance: Various modes of inheritance.
Hypertrophic cardiomyopathy. Also called: HYPERTROPHIC MYOCARDIOPATHY. Identifiers: Orphanet 217569, MedGen C0007194, MeSH D002312, MONDO:0005045, HP:0001639.

Submissions (3):

CHEO Genetics Diagnostic Laboratory, Children's Hospital of Eastern Ontario
Classification: Likely pathogenic for Cardiomyopathy. Last evaluated: 2023-03-16. Review status: criteria provided, single submitter. Criteria: ACMG Guidelines, 2015. Collection method: clinical testing. Allele origin: germline.

Labcorp Genetics (formerly Invitae), Labcorp
Classification: Pathogenic for Hypertrophic cardiomyopathy. Last evaluated: 2022-10-13. Review status: criteria provided, single submitter. Criteria: Invitae Variant Classification Sherloc (09022015). Collection method: clinical testing. Allele origin: germline.
Comment: For these reasons, this variant has been classified as Pathogenic. ClinVar contains an entry for this variant (Variation ID: 1329391). This variant has not been reported in the literature in individuals affected with MYBPC3-related conditions. This variant is not present in population databases (gnomAD no frequency). This sequence change creates a premature translational stop signal (p.Leu923*) in the MYBPC3 gene. It is expected to result in an absent or disrupted protein product. Loss-of-function variants in MYBPC3 are known to be pathogenic (PMID: 19574547).

Ambry Genetics
Classification: Pathogenic for Cardiovascular phenotype. Last evaluated: 2021-07-06. Review status: criteria provided, single submitter. Criteria: Ambry Variant Classification Scheme 2023. Collection method: clinical testing. Allele origin: germline.
Comment: The c.2767delC pathogenic mutation, located in coding exon 27 of the MYBPC3 gene, results from a deletion of one nucleotide at nucleotide position 2767, causing a translational frameshift with a predicted alternate stop codon (p.L923*). This alteration is expected to result in loss of function by premature protein truncation or nonsense-mediated mRNA decay. As such, this alteration is interpreted as a disease-causing mutation.

Literature cited by the submitters: PubMed 19574547 (cited by Labcorp Genetics (formerly Invitae), Labcorp).

NM_000256.3(MYBPC3):c.2767del (p.Gly922_Leu923insTer)

Gene: MYBPC3 (myosin binding protein C3; minus strand). Cytogenetic location: 11p11.2.
Variant type: Deletion.
Coding change: c.2767del on transcript NM_000256.3 (MANE Select); coding-DNA position 2767, one base deleted (C; older notation c.2767delC).
Protein change: p.Gly922_Leu923insTer.
Molecular consequence: nonsense.
Genome position (GRCh38, 1-based): chr11:47,335,180, G deleted on the plus strand (C on the coding strand, the reverse complement: MYBPC3 is on the minus strand). VCF-style (leftmost placement, unchanged base first): chr11-47335179-AG-A. GRCh37 (hg19) VCF-style: chr11-47356730-AG-A.
Other names: c.2767delC (NM_000256.3).
Identifiers: ClinVar variation 1329391 (VCV001329391.10), dbSNP rs2142853009, ClinGen allele CA2573053507.